The following is an entry in ClinVar:

NM_152703.5(SAMD9L):c.4140dup (p.Gln1381fs)

Gene: SAMD9L (sterile alpha motif domain containing 9 like; minus strand). Cytogenetic location: 7q21.2.
Variant type: Duplication.
Coding change: c.4140dup on transcript NM_152703.5 (MANE Select); coding-DNA position 4140, one base duplicated (A; older notation c.4140dupA).
Protein change: p.Gln1381fs; shifts the reading frame from glutamine 1381.
Molecular consequence: frameshift variant.
Genome position (GRCh38, 1-based): chr7:93,131,832, T duplicated on the plus strand (A on the coding strand, the reverse complement: SAMD9L is on the minus strand); the first of 3 consecutive T bases (chr7:93,131,832-93,131,834); duplicating any one gives the same sequence. VCF-style (leftmost placement, unchanged base first): chr7-93131831-G-GT. GRCh37 (hg19) VCF-style: chr7-92761144-G-GT.
Other names: c.4140dup, p.Gln1381fs (NM_001303496.3, NM_001303497.3, NM_001303498.3 and 5 more transcripts); c.4140dupA (NM_152703.3); short protein forms Q1381fs.
Identifiers: ClinVar variation 1174639 (VCV001174639.17), dbSNP rs745823605, ClinGen allele CA4343355.

ClinVar aggregate classification (germline): Uncertain significance. Review status: criteria provided, multiple submitters, no conflicts (2 of 4 stars). 7 submissions from 7 submitters: Uncertain significance (5). 2 of the submissions do not count toward it. Last evaluated 2025-12-04.

Conditions:
Ataxia-pancytopenia syndrome (ATXPC). Also called: SAMD9L Ataxia-Pancytopenia Syndrome; SAMD9L-Related Syndrome. Identifiers: Orphanet 2585, MedGen C1327919, MONDO:0008038, OMIM 159550.
SAMD9L-related disorder. Also called: SAMD9L-related disorders; SAMD9L-related condition.
Spinocerebellar ataxia 49 (SCA49). Identifiers: Orphanet 631106, MedGen C5676950, MONDO:0030805, OMIM 619806.

Submissions (7):

PreventionGenetics, part of Exact Sciences
Classification: Uncertain significance for SAMD9L-related condition. Last evaluated: 2025-12-04. Review status: criteria provided, single submitter. Criteria: ACMG Guidelines, 2015. Collection method: clinical testing. Allele origin: germline.
Comment: The SAMD9L c.4140dupA variant is predicted to result in a frameshift and premature protein termination (p.Gln1381Thrfs*77). To our knowledge, this variant has not been reported in the literature. This variant is reported in 0.019% of alleles in individuals of European (Non-Finnish) descent in gnomAD. Loss of function is not an established mechanism of SAMD9L-related disease. At this time, the clinical significance of this variant is uncertain due to the absence of conclusive functional and genetic evidence.

Labcorp Genetics (formerly Invitae), Labcorp
Classification: Uncertain significance. Last evaluated: 2025-11-25. Review status: criteria provided, single submitter. Criteria: Invitae Variant Classification Sherloc (09022015). Collection method: clinical testing. Allele origin: germline.
Comment: This sequence change creates a premature translational stop signal (p.Gln1381Thrfs*77) in the SAMD9L gene. While this is not anticipated to result in nonsense mediated decay, it is expected to disrupt the last 204 amino acid(s) of the SAMD9L protein. This variant is present in population databases (rs745823605, gnomAD 0.02%). This variant has not been reported in the literature in individuals affected with SAMD9L-related conditions. ClinVar contains an entry for this variant (Variation ID: 1174639). Experimental studies and prediction algorithms are not available or were not evaluated, and the functional significance of this variant is currently unknown. In summary, the available evidence is currently insufficient to determine the role of this variant in disease. Therefore, it has been classified as a Variant of Uncertain Significance.

St. Jude Molecular Pathology, St. Jude Children's Research Hospital
Classification: Uncertain significance for Ataxia-pancytopenia syndrome. Last evaluated: 2024-10-12. Review status: criteria provided, single submitter. Criteria: St. Jude Assertion Criteria 2020. Collection method: clinical testing. Allele origin: germline.
Comment: The SAMD9L c.4140dup (p.Gln1381ThrfsTer77) change causes a frameshift and the creation of a premature stop codon, however the functional significance of this variant is currently unknown. This variant has a maximum subpopulation frequency of 0.019% in gnomAD v2.1.1. This variant has not been reported in individuals with ataxia-pancytopenia syndrome or monosomy 7. In summary, the evidence currently available is insufficient to determine the clinical significance of this variant. It has therefore been classified as of uncertain significance.

GeneDx
Classification: Uncertain significance. Last evaluated: 2024-03-06. Review status: criteria provided, single submitter. Criteria: GeneDx Variant Classification Process June 2021. Collection method: clinical testing. Allele origin: germline. Affected: yes.
Comment: Has not been previously published as pathogenic or benign to our knowledge; Frameshift variant predicted to result in protein truncation in a gene for which loss-of-function is not a known mechanism of disease; This variant is associated with the following publications: (PMID: 33724365)

Human Genetics Bochum, Ruhr University Bochum
Classification: Uncertain significance for Spinocerebellar ataxia 49. Last evaluated: 2023-04-03. Review status: criteria provided, single submitter. Criteria: ACMG Guidelines, 2015. Collection method: clinical testing. Allele origin: germline. Affected: yes.
Comment: ACMG criteria used to clasify this variant: PVS1_STR

Clinical Genetics DNA and cytogenetics Diagnostics Lab, Erasmus MC, Erasmus Medical Center
Classification: Uncertain significance. Review status: no assertion criteria provided. Collection method: clinical testing. Allele origin: germline. Affected: yes. Study: VKGL Data-share Consensus. Not counted in ClinVar's aggregate classification.

Diagnostic Laboratory, Department of Genetics, University Medical Center Groningen
Classification: Uncertain significance. Review status: no assertion criteria provided. Collection method: clinical testing. Allele origin: germline. Affected: yes. Study: VKGL Data-share Consensus. Not counted in ClinVar's aggregate classification.